The following is an entry in ClinVar:

NM_001184880.2(PCDH19):c.754C>T (p.Pro252Ser)

Gene: PCDH19 (protocadherin 19; minus strand). Cytogenetic location: Xq22.1.
Variant type: single nucleotide variant.
Coding change: c.754C>T on transcript NM_001184880.2 (MANE Select); coding-DNA position 754, C replaced by T.
Protein change: p.Pro252Ser; replaces proline 252 with serine.
Molecular consequence: missense variant.
Genome position (GRCh38, 1-based): chrX:100,407,844, G>A on the plus strand (C>T on the coding strand, the complement: PCDH19 is on the minus strand). VCF-style: chrX-100407844-G-A. GRCh37 (hg19) VCF-style: chrX-99662842-G-A.
Other names: c.754C>T (NM_001184880.1); c.754C>T, p.Pro252Ser (NM_001105243.2, NM_020766.3); short protein forms P252S.
Identifiers: ClinVar variation 2872595 (VCV002872595.3), dbSNP rs1928433588, ClinGen allele CA414008303.

ClinVar aggregate classification (germline): Uncertain significance. Review status: criteria provided, multiple submitters, no conflicts (2 of 4 stars). 2 submissions from 2 submitters: Uncertain significance (2). Last evaluated 2025-08-14.

Conditions:
Developmental and epileptic encephalopathy, 9 (DEE9). Also called: Early infantile epileptic encephalopathy 9; PCDH19-Related X-Linked Female-Limited Epilepsy with Mental Retardation; EPILEPSY, FEMALE-RESTRICTED, WITH MENTAL RETARDATION; JUBERG-HELLMAN SYNDROME. Identifiers: Orphanet 101039, Orphanet 2076, MedGen C1848137, MONDO:0010246, OMIM 300088. Disease mechanism: loss of function.

Allele frequency attached by ClinVar (database versions not stated): TOPMed 0.00001.

Submissions (2):

GeneDx
Classification: Uncertain significance. Last evaluated: 2025-08-14. Review status: criteria provided, single submitter. Criteria: GeneDx Variant Classification Process June 2021. Collection method: clinical testing. Allele origin: germline. Affected: yes.
Comment: Not observed at significant frequency in large population cohorts (gnomAD); In silico analysis supports that this missense variant has a deleterious effect on protein structure/function; Has not been previously published as pathogenic or benign to our knowledge

Labcorp Genetics (formerly Invitae), Labcorp
Classification: Uncertain significance for Developmental and epileptic encephalopathy, 9. Last evaluated: 2023-05-11. Review status: criteria provided, single submitter. Criteria: Invitae Variant Classification Sherloc (09022015). Collection method: clinical testing. Allele origin: germline.
Comment: In summary, the available evidence is currently insufficient to determine the role of this variant in disease. Therefore, it has been classified as a Variant of Uncertain Significance. Advanced modeling of protein sequence and biophysical properties (such as structural, functional, and spatial information, amino acid conservation, physicochemical variation, residue mobility, and thermodynamic stability) has been performed at Invitae for this missense variant, however the output from this modeling did not meet the statistical confidence thresholds required to predict the impact of this variant on PCDH19 protein function. This variant has not been reported in the literature in individuals affected with PCDH19-related conditions. This variant is not present in population databases (gnomAD no frequency). This sequence change replaces proline, which is neutral and non-polar, with serine, which is neutral and polar, at codon 252 of the PCDH19 protein (p.Pro252Ser).